The following is an entry in ClinVar:

ClinVar aggregate classification (germline): Uncertain significance. Review status: criteria provided, multiple submitters, no conflicts (2 of 4 stars). 3 submissions from 3 submitters: Uncertain significance (3). Last evaluated 2026-04-07.

Conditions:
Combined immunodeficiency due to LRBA deficiency. Also called: Common variable immunodeficiency 8, with autoimmunity. Identifiers: Orphanet 445018, MedGen C3553512, MONDO:0013863, OMIM 614700.
Inborn genetic diseases. Identifiers: MedGen C0950123, MeSH D030342.

Allele frequency attached by ClinVar (database versions not stated): gnomAD exomes below 0.00001; gnomAD 0.00001; TOPMed 0.00001.
gnomAD v4.1: 4 of 1,612,066 alleles (0.00025%); highest among the groups gnomAD compares: Admixed American, 0.0033%; no homozygotes.

Submissions (3):

Women's Health and Genetics/Laboratory Corporation of America, LabCorp
Classification: Uncertain significance. Last evaluated: 2026-04-07. Review status: criteria provided, single submitter. Criteria: LabCorp Variant Classification Summary - May 2015. Collection method: clinical testing. Allele origin: germline.

Ambry Genetics
Classification: Uncertain significance for Inborn genetic diseases. Last evaluated: 2025-03-27. Review status: criteria provided, single submitter. Criteria: Ambry Variant Classification Scheme 2023. Collection method: clinical testing. Allele origin: germline.

Labcorp Genetics (formerly Invitae), Labcorp
Classification: Uncertain significance for Common variable immunodeficiency 8, with autoimmunity. Last evaluated: 2019-09-13. Review status: criteria provided, single submitter. Criteria: Invitae Variant Classification Sherloc (09022015). Collection method: clinical testing. Allele origin: germline.
Comment: This sequence change replaces isoleucine with valine at codon 2651 of the LRBA protein (p.Ile2651Val). The isoleucine residue is moderately conserved and there is a small physicochemical difference between isoleucine and valine. This variant is not present in population databases (ExAC no frequency). This variant has not been reported in the literature in individuals with LRBA-related conditions. Algorithms developed to predict the effect of missense changes on protein structure and function are either unavailable or do not agree on the potential impact of this missense change (SIFT: "Tolerated"; PolyPhen-2: "Probably Damaging"; Align-GVGD: "Class C0"). In summary, the available evidence is currently insufficient to determine the role of this variant in disease. Therefore, it has been classified as a Variant of Uncertain Significance.

NM_001364905.1(LRBA):c.7918A>G (p.Ile2640Val)

Gene: LRBA (LPS responsive beige-like anchor protein; minus strand). Cytogenetic location: 4q31.3.
Variant type: single nucleotide variant.
Coding change: c.7918A>G on transcript NM_001364905.1 (MANE Select); coding-DNA position 7918, A replaced by G.
Protein change: p.Ile2640Val; replaces isoleucine 2640 with valine.
Molecular consequence: missense variant.
Genome position (GRCh38, 1-based): chr4:150,302,724, T>C on the plus strand (A>G on the coding strand, the complement: LRBA is on the minus strand). VCF-style: chr4-150302724-T-C. GRCh37 (hg19) VCF-style: chr4-151223876-T-C.
Other names: c.7918A>G, p.Ile2640Val (NM_001199282.3); c.7933A>G, p.Ile2645Val (NM_001367550.1); c.7951A>G, p.Ile2651Val (NM_006726.5); short protein forms I2645V, I2640V, I2651V.
Identifiers: ClinVar variation 955796 (VCV000955796.3), dbSNP rs1729832911, ClinGen allele CA358599042.